The following is an entry in ClinVar:

ClinVar aggregate classification (germline): Conflicting classifications of pathogenicity. Review status: criteria provided, conflicting classifications (1 of 4 stars). 4 submissions from 4 submitters: Likely pathogenic (1); Uncertain significance (3). Last evaluated 2023-12-06.

Conditions:
Very long chain acyl-CoA dehydrogenase deficiency (ACADVLD). Also called: VLCAD Deficiency; Very Long-Chain Acyl-Coenzyme A Dehydrogenase Deficiency. Identifiers: Orphanet 26793, MedGen C3887523, MONDO:0008723, OMIM 201475.

Submissions (4):

Women's Health and Genetics/Laboratory Corporation of America, LabCorp
Classification: Likely pathogenic for Very long chain acyl-CoA dehydrogenase deficiency. Last evaluated: 2023-12-06. Review status: criteria provided, single submitter. Criteria: LabCorp Variant Classification Summary - May 2015. Collection method: clinical testing. Allele origin: germline.
Comment: Variant summary: ACADVL c.605T>A (p.Leu202His) results in a non-conservative amino acid change located in the N-terminal domain (IPR013786) of the encoded protein sequence. Five of five in-silico tools predict a damaging effect of the variant on protein function. The variant was absent in 251270 control chromosomes (gnomAD). c.605T>A has been reported in the literature in individuals affected with Very Long Chain Acyl-CoA Dehydrogenase Deficiency (e.g. Miller_2015, Rovelli_2019, Ambrose_2022). These data indicate that the variant may be associated with disease. To our knowledge, no experimental evidence demonstrating an impact on protein function has been reported. However other missense variants affecting the same amino acid have been reported in affected individuals (HGMD) and been classified as pathogenic by other laboratories in ClinVar, suggesting that this residue is critical for protein function. The following publications have been ascertained in the context of this evaluation (PMID: 26385305, 31031081, 36109795). Two submitters have cited clinical-significance assessments for this variant to ClinVar after 2014. All submitters classified the variant as uncertain significance. Based on the evidence outlined above, the variant was classified as likely pathogenic.

Wong Mito Lab, Molecular and Human Genetics, Baylor College of Medicine
Classification: Uncertain significance for Very long chain acyl-CoA dehydrogenase deficiency. Last evaluated: 2019-11-01. Review status: criteria provided, single submitter. Criteria: ACMG Guidelines, 2015. Collection method: clinical testing. Allele origin: germline.
Comment: The NM_000018.3:c.605T>A (NP_000009.1:p.Leu202His) [GRCH38: NC_000017.11:g.7221665T>A] variant in ACADVL gene is interpretated to be Uncertain Significance based on ACMG guidelines (PMID: 25741868). This variant has been reported. This variant meets the following evidence codes reported in the ACMG guidelines: PP3

ARUP Laboratories, Molecular Genetics and Genomics, ARUP Laboratories
Classification: Uncertain significance for Very long chain acyl-CoA dehydrogenase deficiency. Last evaluated: 2018-09-06. Review status: criteria provided, single submitter. Criteria: ARUP Molecular Germline Variant Investigation Process. Collection method: clinical testing. Allele origin: germline.
Comment: The ACADVL c.605T>A; p.Leu202His variant (rs398123090), to our knowledge, is not reported in the medical literature but is reported as uncertain significance in ClinVar (Variation ID: 92287). This variant is absent from general population databases (1000 Genomes Project, Exome Variant Server, and Genome Aggregation Database), indicating it is not a common polymorphism. The leucine at codon 202 is highly conserved, and computational analyses (SIFT, PolyPhen-2) predict that this variant is deleterious. Due to limited information, the clinical significance of the p.Leu202His variant is uncertain at this time.

Eurofins Ntd Llc (ga)
Classification: Uncertain significance. Last evaluated: 2012-12-06. Review status: criteria provided, single submitter. Criteria: EGL Classification Definitions 2015. Collection method: clinical testing. Allele origin: germline. Observed: 1 variant allele, 1 heterozygote.

Literature cited by the submitters: PubMed 26385305 (cited by Women's Health and Genetics/Laboratory Corporation of America, LabCorp); PubMed 31031081 (cited by Women's Health and Genetics/Laboratory Corporation of America, LabCorp); PubMed 36109795 (cited by Women's Health and Genetics/Laboratory Corporation of America, LabCorp).

NM_000018.4(ACADVL):c.605T>A (p.Leu202His)

Gene: ACADVL (acyl-CoA dehydrogenase very long chain; plus strand). Cytogenetic location: 17p13.1.
Variant type: single nucleotide variant.
Coding change: c.605T>A on transcript NM_000018.4 (MANE Select); coding-DNA position 605, T replaced by A.
Protein change: p.Leu202His; replaces leucine 202 with histidine.
Molecular consequence: missense variant.
Genome position (GRCh38, 1-based): chr17:7,221,665, T>A. VCF-style: chr17-7221665-T-A. GRCh37 (hg19) VCF-style: chr17-7124984-T-A.
Other names: c.539T>A, p.Leu180His (NM_001033859.3); c.674T>A, p.Leu225His (NM_001270447.2); c.377T>A, p.Leu126His (NM_001270448.2); short protein forms L202H, L180H, L126H, L225H.
Identifiers: ClinVar variation 92287 (VCV000092287.16), dbSNP rs398123090, ClinGen allele CA220214.
Genomic context (GRCh38, chr17:7,221,665, plus strand): 5'-AGAGCATCGGTTTCAAAGGCATCCTGCTCTTTGGCACAAAGGCCCAGAAAGAAAAATACC[T>A]CCCCAAGCTGGCATCTGGTGAGGCAACCCTAGGAGAGCCAGGGATTGGGGGGCACACTGG-3'
Protein context (NP_000009.1, residues 192-212): FGTKAQKEKY[Leu202His]PKLASGETVA